The following is an entry in ClinVar:

NC_000004.12:g.1395483G>A

Genes: CRIPAK (cysteine rich PAK1 inhibitor; plus strand), UVSSA (UV stimulated scaffold protein A; plus strand), LOC126806945 (P300/CBP strongly-dependent group 1 enhancer GRCh37_chr4:1388225-1389424; plus strand). Cytogenetic location: 4p16.3.
Variant type: single nucleotide variant.
Genome position: GRCh38 VCF-style: chr4-1395483-G-A. GRCh37 (hg19) VCF-style: chr4-1389271-G-A.
Identifiers: ClinVar variation 4280870 (VCV004280870.7).

ClinVar aggregate classification (germline): Likely benign (1 of 4 stars; one submission).

Submission:

CeGaT Center for Human Genetics Tuebingen
Classification: Likely benign. Last evaluated: 2026-06-01. Review status: criteria provided, single submitter. Criteria: CeGaT Center For Human Genetics Tuebingen Variant Classification Criteria Version 2. Collection method: clinical testing. Allele origin: germline. Affected: yes. Observed: 3 variant alleles.
Comment: CRIPAK: BP4, BP7